The following continues an entry in ClinVar:

NM_001267550.2(TTN):c.87412C>A (p.Pro29138Thr)

ClinVar aggregate classification (germline): Conflicting classifications of pathogenicity. Uncertain significance (5); Benign (4); Likely benign (12).

Submissions 19 to 26 of 26:

Laboratory for Molecular Medicine, Mass General Brigham Personalized Medicine
Classification: Uncertain significance. Last evaluated: 2014-08-21. Review status: criteria provided, single submitter. Criteria: LMM Criteria. Collection method: clinical testing. Allele origin: germline. Observed: 6 variant alleles.
Comment: The Pro26570Thr variant in TTN has been identified by our laboratory in 1 indivi dual with HCM and 2 individuals with DCM. This variant has also been identified in 0.2% (4/2178) of chromosomes of various ethnicities by the 1000 Genomes Proje ct (dbSNP rs72648227). Computational prediction tools and conservation analysis do not provide strong support for or against an impact to the protein. In summar y, the clinical significance of the Pro26570Thr variant is uncertain.

Biesecker Lab/Clinical Genomics Section, National Institutes of Health
Classification: Likely benign. Last evaluated: 2013-06-24. Review status: criteria provided, single submitter. Criteria: Ng et al. (Circ Cardiovasc Genet. 2013). Collection method: research. Allele origin: unknown. Observed: 2 variant alleles. Study: ClinSeq.
Comment: The study set was not selected for affection status in relation to any cancer. Pathogenicity categories were based on literature curation. See Pubmed ID:23861362 for details.

Medical sequencing

Genetics and Genomics Program, Sidra Medicine
Classification: Likely benign for Primary dilated cardiomyopathy. Review status: criteria provided, single submitter. Criteria: ACMG Guidelines, 2015. Collection method: research. Allele origin: unknown. Affected: yes. Observed: 1 variant allele.

Clinical Genetics DNA and cytogenetics Diagnostics Lab, Erasmus MC, Erasmus Medical Center
Classification: Likely benign. Review status: no assertion criteria provided. Collection method: clinical testing. Allele origin: germline. Affected: yes. Study: VKGL Data-share Consensus. Not counted in ClinVar's aggregate classification.

Clinical Genetics, Academic Medical Center
Classification: Benign. Review status: no assertion criteria provided. Collection method: clinical testing. Allele origin: germline. Affected: yes. Study: VKGL Data-share Consensus. Not counted in ClinVar's aggregate classification.

Genome Diagnostics Laboratory, University Medical Center Utrecht
Classification: Likely benign. Review status: no assertion criteria provided. Collection method: clinical testing. Allele origin: germline. Affected: yes. Study: VKGL Data-share Consensus. Not counted in ClinVar's aggregate classification.

Joint Genome Diagnostic Labs from Nijmegen and Maastricht, Radboudumc and MUMC+
Classification: Likely benign. Review status: no assertion criteria provided. Collection method: clinical testing. Allele origin: germline. Affected: yes. Study: VKGL Data-share Consensus. Not counted in ClinVar's aggregate classification.

Practice for Gait Abnormalities, David Pomarino, Competency Network Toe Walking C/o Practice Pomarino
Classification: Likely pathogenic for Tip-toe gait. Review status: no assertion criteria provided. Collection method: clinical testing. Allele origin: germline. Affected: yes. Not counted in ClinVar's aggregate classification.
Comment: Myopathy refers to diseases that affect skeletal Muscles. These diseases attack muscle fibers, making muscles weak. Inherited myopathies are often caused by inheriting an abnormal gene mutation from a parent that causes the disease. Symptoms of congenital myopathies usually start at birth or in early childhood, but may not appear until the teen years or even later in adulthood. Congenital myopathies are somewhat unique compared with other inherited myopathies, as weakness typically affects all muscles and is often not progressive. Symptoms are: Muscle weakness, most commonly of upper arms and shoulders and thighs, muscle cramps, stiffness and spasms, fatigue with exertion and lack of energy. Our patients all walk on tiptoe, so they show similar symptoms. When we genetically test them with our toe walking panel, we find that around 90 per cent of them have a genetic variant that explains their toe walking. These can be assigned, for example, to the area of myopathies (such as variants of the COL6A3 gene), the area of hereditary neuropathies (such as variants of the KMT2C gene) or the area of metabolic diseases (such as variants of the PYGM gene). In a smaller group of patients with almost identical symptoms, no abnormality is found in the genes of our panel, but spastic paraplegia can be detected. In another small group of our toe walkers, no abnormalities can be detected in the genes analysed in our toe walking panel, nor do they suffer from spastic paraplegia, as is also the case with healthy children. In contrast to these, however, they show a tiptoe gait. These patients suffer from infantile cerebral palsy, in which toe walking can also be observed.

Literature cited by the submitters: PubMed 23396983 (cited by 3 submitters); PubMed 23861362 (cited by Mayo Clinic Laboratories, Mayo Clinic); PubMed 26516846 (cited by Mayo Clinic Laboratories, Mayo Clinic and Women's Health and Genetics/Laboratory Corporation of America, LabCorp); PubMed 27930701 (cited by Mayo Clinic Laboratories, Mayo Clinic); PubMed 29886034 (cited by Mayo Clinic Laboratories, Mayo Clinic); PubMed 37091313 (cited by Practice for Gait Abnormalities, David Pomarino, Competency Network Toe Walking C/o Practice Pomarino).